The following is an entry in ClinVar:

NM_144572.2(TBC1D2B):c.2497C>T (p.Leu833=)

Gene: TBC1D2B (TBC1 domain family member 2B; minus strand). Cytogenetic location: 15q25.1.
Variant type: single nucleotide variant.
Coding change: c.2497C>T on transcript NM_144572.2 (MANE Select); coding-DNA position 2497, C replaced by T.
Protein change: p.Leu833=; no amino-acid change (leucine 833 retained).
Molecular consequence: synonymous variant.
Genome position (GRCh38, 1-based): chr15:78,003,382, G>A on the plus strand (C>T on the coding strand, the complement: TBC1D2B is on the minus strand). VCF-style: chr15-78003382-G-A. GRCh37 (hg19) VCF-style: chr15-78295724-G-A.
Other names: c.2497C>T, p.Leu833= (NM_001387142.1, NM_001387144.1, NM_015079.6); c.2494C>T, p.Leu832= (NM_001387143.1); c.2161C>T, p.Leu721= (NM_001387145.1, NM_001387146.1, NM_001387147.1 and 1 more transcripts); c.2047C>T, p.Leu683= (NM_001387149.1).
Identifiers: ClinVar variation 3342017 (VCV003342017.16).

ClinVar aggregate classification (germline): Uncertain significance (1 of 4 stars; one submission).

gnomAD v4.1: 1 of 1,613,924 alleles (0.000062%); highest among the groups gnomAD compares: South Asian, 0.0011%; no homozygotes.

Submission:

CeGaT Center for Human Genetics Tuebingen
Classification: Uncertain significance. Last evaluated: 2024-07-01. Review status: criteria provided, single submitter. Criteria: CeGaT Center For Human Genetics Tuebingen Variant Classification Criteria Version 2. Collection method: clinical testing. Allele origin: germline. Affected: yes. Observed: 1 variant allele.
Comment: TBC1D2B: PM2:Supporting, BP4